The following is an entry in ClinVar:

NM_000186.4(CFH):c.734A>C (p.Glu245Ala)

Gene: CFH (complement factor H; plus strand). Cytogenetic location: 1q31.3.
Variant type: single nucleotide variant.
Coding change: c.734A>C on transcript NM_000186.4 (MANE Select); coding-DNA position 734, A replaced by C.
Protein change: p.Glu245Ala; replaces glutamic acid 245 with alanine.
Molecular consequence: missense variant.
Genome position (GRCh38, 1-based): chr1:196,679,737, A>C. VCF-style: chr1-196679737-A-C. GRCh37 (hg19) VCF-style: chr1-196648867-A-C.
Other names: c.734A>C, p.Glu245Ala (NM_001014975.3); short protein forms E245A.
Identifiers: ClinVar variation 4291325 (VCV004291325.1).

ClinVar aggregate classification (germline): Uncertain significance (1 of 4 stars; one submission).

Conditions:
Atypical hemolytic-uremic syndrome. Identifiers: Orphanet 2134, MedGen C2931788, MONDO:0016244.
Basal laminar drusen. Also called: DRUSEN OF BRUCH MEMBRANE; DRUSEN, CUTICULAR; DRUSEN, EARLY ADULT-ONSET, GROUPED. Identifiers: Orphanet 75376, MedGen C0730295, MONDO:0007472, OMIM 126700.
Factor H deficiency (CFHD). Also called: COMPLEMENT FACTOR H DEFICIENCY; CFH DEFICIENCY. Identifiers: Orphanet 200421, MedGen C0398777, MONDO:0012350, OMIM 609814.
Age related macular degeneration 4. Identifiers: MedGen C1853147, MONDO:0012540, OMIM 610698.

Submission:

Genomenon, Inc
Classification: Uncertain significance for Basal laminar drusen; Age related macular degeneration 4; Atypical hemolytic-uremic syndrome; Factor H deficiency. Last evaluated: 2025-10-02. Review status: criteria provided, single submitter. Criteria: Genomenon Sequence Variant Interpretation Standards - Updated. Collection method: curation. Allele origin: germline. Affected: no.
Comment: CFH p.Glu245Ala (c.734A>C) is a missense variant that changes the amino acid at residue 245 from Glutamic acid to Alanine. This variant has been reported in the published literature (PMID:21683447). It is absent or not present at a significant frequency in gnomAD. In silico models agree that this variant is not damaging. In conclusion, we classify CFH p.Glu245Ala (c.734A>C) as a variant of uncertain significance.

Literature cited by the submitters: PubMed 21683447.